The following is an entry in ClinVar:

NM_000090.4(COL3A1):c.939T>C (p.Leu313=)

Gene: COL3A1 (collagen type III alpha 1 chain; plus strand). Cytogenetic location: 2q32.2.
Variant type: single nucleotide variant.
Coding change: c.939T>C on transcript NM_000090.4 (MANE Select); coding-DNA position 939, T replaced by C.
Protein change: p.Leu313=; no amino-acid change (leucine 313 retained).
Molecular consequence: synonymous variant.
Genome position (GRCh38, 1-based): chr2:188,991,710, T>C. VCF-style: chr2-188991710-T-C. GRCh37 (hg19) VCF-style: chr2-189856436-T-C.
Identifiers: ClinVar variation 3069768 (VCV003069768.1), dbSNP rs758034549, ClinGen allele CA430309225.

ClinVar aggregate classification (germline): Uncertain significance (1 of 4 stars; one submission).

Conditions:
Ehlers-Danlos syndrome, type 4 (EDSVASC). Also called: Ehlers-Danlos Syndrome Type IV; Ehlers-Danlos syndrome vascular type; Ehlers Danlos syndrome, ecchymotic type; Ehlers Danlos syndrome, arterial type; Ehlers Danlos syndrome, Sack-Barabas type. Identifiers: Orphanet 286, MedGen C0268338, MONDO:0017314, OMIM 130050.

Submission:

All of Us Research Program, National Institutes of Health
Classification: Uncertain significance for Ehlers-Danlos syndrome, type 4. Last evaluated: 2023-03-07. Review status: criteria provided, single submitter. Criteria: ACMG Guidelines, 2015. Collection method: clinical testing. Allele origin: germline. Inheritance: Autosomal dominant inheritance. Observed: 1 variant allele, 1 heterozygote.
Comment: This variant is located in the COL3A1 protein. To our knowledge, functional studies have not been reported for this variant. This variant has not been reported in individuals affected with COL3A1-related disorders in the literature. This variant has not been identified in the general population by the Genome Aggregation Database (gnomAD). The available evidence is insufficient to determine the role of this variant in disease conclusively. Therefore, this variant is classified as a Variant of Uncertain Significance.

This study involves interpretation of variants in research participants for the purpose of population health screening. Participant phenotype was not available at the time of variant classification. Additional details can be found in publication PMID: 35346344, PMCID: PMC8962531